The following is an entry in ClinVar:

ClinVar aggregate classification (germline): Benign. Review status: criteria provided, multiple submitters, no conflicts (2 of 4 stars). 10 submissions from 9 submitters: Benign (10). Last evaluated 2026-02-04.

Conditions:
Charcot-Marie-Tooth disease recessive intermediate C. Also called: CHARCOT-MARIE-TOOTH NEUROPATHY, RECESSIVE INTERMEDIATE C. Identifiers: Orphanet 369867, MedGen C3809309, MONDO:0014154, OMIM 615376.
Neuronopathy, distal hereditary motor, autosomal recessive 4. Also called: Autosomal recessive lower motor neuron disease with childhood onset; NEUROPATHY, DISTAL HEREDITARY MOTOR, AUTOSOMAL RECESSIVE 4. Identifiers: Orphanet 206580, MedGen C1970211, MONDO:0012608, OMIM 611067.

Allele frequency attached by ClinVar (database versions not stated): gnomAD exomes 0.14822 and 0.16118; ExAC 0.17234; gnomAD 0.26392 and 0.27319; 1000 Genomes Project 0.26957; TOPMed 0.27491; 1000 Genomes Project 30x 0.28029; ESP Exome Variant Server 0.28718.

Submissions (10):

Labcorp Genetics (formerly Invitae), Labcorp
Classification: Benign for Neuronopathy, distal hereditary motor, autosomal recessive 4; Charcot-Marie-Tooth disease recessive intermediate C. Last evaluated: 2026-02-04. Review status: criteria provided, single submitter. Criteria: Invitae Variant Classification Sherloc (09022015). Collection method: clinical testing. Allele origin: germline.

Blueprint Genetics
Classification: Benign. Last evaluated: 2024-11-26. Review status: criteria provided, single submitter. Criteria: ACMG Guidelines, 2015. Collection method: clinical testing. Allele origin: germline.

Genome-Nilou Lab
Classification: Benign for Charcot-Marie-Tooth disease recessive intermediate C. Last evaluated: 2021-10-25. Review status: criteria provided, single submitter. Criteria: ACMG Guidelines, 2015. Collection method: clinical testing. Allele origin: germline. Affected: no.

Genome-Nilou Lab
Classification: Benign for Neuronopathy, distal hereditary motor, autosomal recessive 4. Last evaluated: 2021-10-25. Review status: criteria provided, single submitter. Criteria: ACMG Guidelines, 2015. Collection method: clinical testing. Allele origin: germline. Affected: no.

Illumina Laboratory Services, Illumina
Classification: Benign for Neuronopathy, distal hereditary motor, autosomal recessive 4. Last evaluated: 2018-01-13. Review status: criteria provided, single submitter. Criteria: ICSL Variant Classification Criteria 13 December 2019. Collection method: clinical testing. Allele origin: germline.
Comment: This variant was observed in the ICSL laboratory as part of a predisposition screen in an ostensibly healthy population. It had not been previously curated by ICSL or reported in the Human Gene Mutation Database (HGMD: prior to June 1st, 2018), and was therefore a candidate for classification through an automated scoring system. Utilizing variant allele frequency, disease prevalence and penetrance estimates, and inheritance mode, an automated score was calculated to assess if this variant is too frequent to cause the disease. Based on the score and internal cut-off values, a variant classified as benign is not then subjected to further curation. The score for this variant resulted in a classification of benign for this disease.

Mayo Clinic Laboratories, Mayo Clinic
Classification: Benign. Last evaluated: 2016-04-07. Review status: criteria provided, single submitter. Criteria: ACMG Guidelines, 2015. Collection method: clinical testing. Allele origin: germline. Observed: 666 variant alleles.

GeneDx
Classification: Benign. Last evaluated: 2015-03-03. Review status: criteria provided, single submitter. Criteria: GeneDx Variant Classification Process June 2021. Collection method: clinical testing. Allele origin: germline. Affected: yes.

Eurofins Ntd Llc (ga)
Classification: Benign. Last evaluated: 2015-01-06. Review status: criteria provided, single submitter. Criteria: EGL Classification Definitions 2015. Collection method: clinical testing. Allele origin: germline. Observed: 1 variant allele, 1 heterozygote.

Breakthrough Genomics
Classification: Benign. Review status: criteria provided, single submitter. Criteria: ACMG Guidelines, 2015. Collection method: not provided. Allele origin: germline. Inheritance: Autosomal recessive inheritance. Affected: yes.

PreventionGenetics, part of Exact Sciences
Classification: Benign. Review status: criteria provided, single submitter. Criteria: ACMG Guidelines, 2015. Collection method: clinical testing. Allele origin: germline.

NM_020631.6(PLEKHG5):c.2001T>C (p.Ser667=)

Gene: PLEKHG5 (pleckstrin homology and RhoGEF domain containing G5; minus strand). Cytogenetic location: 1p36.31.
Variant type: single nucleotide variant.
Coding change: c.2001T>C on transcript NM_020631.6 (MANE Select); coding-DNA position 2001, T replaced by C.
Protein change: p.Ser667=; no amino-acid change (serine 667 retained).
Molecular consequence: synonymous variant.
Genome position (GRCh38, 1-based): chr1:6,469,383, A>G on the plus strand (T>C on the coding strand, the complement: PLEKHG5 is on the minus strand). VCF-style: chr1-6469383-A-G. GRCh37 (hg19) VCF-style: chr1-6529443-A-G.
Other names: p.Ser667=; c.2001T>C (NM_020631.5); c.2112T>C, p.Ser704= (NM_001042663.3, NM_001265592.2); c.2001T>C, p.Ser667= (NM_001042664.2, NM_001042665.2, NM_001265594.3 and 1 more transcripts); c.2208T>C, p.Ser736= (NM_001265593.2).
Identifiers: ClinVar variation 194881 (VCV000194881.23), dbSNP rs730600, ClinGen allele CA201414.
Genomic context (GRCh38, chr1:6,469,383, plus strand): 5'-CTCTGCACTCACCTGGGCATTGTAAATGGTGTCCACCCAGCCACGGCACAAGGCCTGGCC[A>G]CTGGCCTGGAACGTGTAGGCCCCTACAGCACTGTGAAACTCATTCAGGTAGATAAGGAGG-3'
Protein context (NP_065682.2, residues 657-677): SAVGAYTFQA[Ser667=]GQALCRGWVD